The following is an entry in ClinVar:

ClinVar aggregate classification (germline): Conflicting classifications of pathogenicity. Review status: criteria provided, conflicting classifications (1 of 4 stars). 3 submissions from 3 submitters: Uncertain significance (1); Likely benign (2). Last evaluated 2025-11-22.

Conditions:
Succinate-semialdehyde dehydrogenase deficiency (SSADHD). Also called: 4-HYDROXYBUTYRIC ACIDURIA; GABA METABOLIC DEFECT; Succinic Semialdehyde Dehydrogenase Deficiency; SSADH DEFICIENCY. Identifiers: Orphanet 22, MedGen C0268631, MONDO:0010083, OMIM 271980.

Allele frequency attached by ClinVar (database versions not stated): ExAC 0.00002; gnomAD 0.00003; gnomAD exomes 0.00003 and 0.00007; TOPMed 0.00003.
gnomAD v4.1: 99 of 1,604,214 alleles (0.0062%); highest among the groups gnomAD compares: Non-Finnish European, 0.0083%; no homozygotes.

Submissions (3):

Mayo Clinic Laboratories, Mayo Clinic
Classification: Likely benign. Last evaluated: 2025-11-22. Review status: criteria provided, single submitter. Criteria: ACMG Guidelines, 2015. Collection method: clinical testing. Allele origin: germline. Observed: 1 variant allele.
Comment: BP4, BP7

Labcorp Genetics (formerly Invitae), Labcorp
Classification: Likely benign for Succinate-semialdehyde dehydrogenase deficiency. Last evaluated: 2025-02-20. Review status: criteria provided, single submitter. Criteria: Invitae Variant Classification Sherloc (09022015). Collection method: clinical testing. Allele origin: germline.

Genetic Services Laboratory, University of Chicago
Classification: Uncertain significance. Last evaluated: 2016-08-22. Review status: criteria provided, single submitter. Criteria: ACMG Guidelines, 2015. Collection method: clinical testing. Allele origin: germline. Affected: no.

NM_001080.3(ALDH5A1):c.355-4G>C

Gene: ALDH5A1 (aldehyde dehydrogenase 5 family member A1; plus strand). Cytogenetic location: 6p22.3.
Variant type: single nucleotide variant.
Coding change: c.355-4G>C on transcript NM_001080.3 (MANE Select); 4 bases into the intron before coding-DNA position 355, G replaced by C.
Molecular consequence: intron variant.
Genome position (GRCh38, 1-based): chr6:24,502,519, G>C. VCF-style: chr6-24502519-G-C. GRCh37 (hg19) VCF-style: chr6-24502747-G-C.
Other names: p.?; c.355-4G>C (NM_170740.1, NM_001368954.1).
Identifiers: ClinVar variation 434120 (VCV000434120.14), dbSNP rs775932045, ClinGen allele CA3656599.
Genomic context (GRCh38, chr6:24,502,519, plus strand): 5'-TATTTAGCATTCTGTCTTACACTTGGCATTTTATTACTTTTCTGCCTTGTTATTTCTTTT[G>C]CAGGAGAGGAGTTCATTACTTCGGAAGTGGTACAATTTAATGATACAAAATAAGGATGAC-3'